The following is an entry in ClinVar:

NM_032888.4(COL27A1):c.2320C>T (p.Arg774Ter)

Gene: COL27A1 (collagen type XXVII alpha 1 chain; plus strand). Cytogenetic location: 9q32.
Variant type: single nucleotide variant.
Coding change: c.2320C>T on transcript NM_032888.4 (MANE Select); coding-DNA position 2320, C replaced by T.
Protein change: p.Arg774Ter; replaces arginine 774 with a stop codon.
Molecular consequence: nonsense.
Genome position (GRCh38, 1-based): chr9:114,209,726, C>T. VCF-style: chr9-114209726-C-T. GRCh37 (hg19) VCF-style: chr9-116972006-C-T.
Other names: short protein forms R774*.
Identifiers: ClinVar variation 1683731 (VCV001683731.5), dbSNP rs1465820080, ClinGen allele CA374601296.

ClinVar aggregate classification (germline): Pathogenic/Likely pathogenic. Review status: criteria provided, multiple submitters, no conflicts (2 of 4 stars). 2 submissions from 2 submitters: Pathogenic (1); Likely pathogenic (1). Last evaluated 2023-12-19.

Conditions:
Steel syndrome (STLS). Identifiers: Orphanet 438117, MedGen C3554594, MONDO:0014061, OMIM 615155.

Allele frequency attached by ClinVar (database versions not stated): gnomAD exomes below 0.00001; TOPMed below 0.00001.
gnomAD v4.1: 5 of 1,614,062 alleles (0.00031%); highest among the groups gnomAD compares: Non-Finnish European, 0.00042%; no homozygotes.

Submissions (2):

Labcorp Genetics (formerly Invitae), Labcorp
Classification: Pathogenic. Last evaluated: 2023-12-19. Review status: criteria provided, single submitter. Criteria: Invitae Variant Classification Sherloc (09022015). Collection method: clinical testing. Allele origin: germline.
Comment: This sequence change creates a premature translational stop signal (p.Arg774*) in the COL27A1 gene. It is expected to result in an absent or disrupted protein product. Loss-of-function variants in COL27A1 are known to be pathogenic (PMID: 24986830, 28276056). This variant is present in population databases (no rsID available, gnomAD 0.0009%). This variant has not been reported in the literature in individuals affected with COL27A1-related conditions. ClinVar contains an entry for this variant (Variation ID: 1683731). For these reasons, this variant has been classified as Pathogenic.

Laboratorio de Genetica e Diagnostico Molecular, Hospital Israelita Albert Einstein
Classification: Likely pathogenic for Steel syndrome. Last evaluated: 2021-12-14. Review status: criteria provided, single submitter. Criteria: ACMG Guidelines, 2015. Collection method: clinical testing. Allele origin: germline. Affected: yes.
Comment: ACMG classification criteria: PVS1 very strong, PM2 moderate

Literature cited by the submitters: PubMed 24986830 (cited by Labcorp Genetics (formerly Invitae), Labcorp); PubMed 28276056 (cited by Labcorp Genetics (formerly Invitae), Labcorp).